The following is an entry in ClinVar:

NM_006509.4(RELB):c.295G>T (p.Ala99Ser)

Gene: RELB (RELB proto-oncogene, NF-kB subunit; plus strand). Cytogenetic location: 19q13.32.
Variant type: single nucleotide variant.
Coding change: c.295G>T on transcript NM_006509.4 (MANE Select); coding-DNA position 295, G replaced by T.
Protein change: p.Ala99Ser; replaces alanine 99 with serine.
Molecular consequence: missense variant.
Genome position (GRCh38, 1-based): chr19:45,012,067, G>T. VCF-style: chr19-45012067-G-T. GRCh37 (hg19) VCF-style: chr19-45515325-G-T.
Other names: c.286G>T, p.Ala96Ser (NM_001411087.1); short protein forms A99S, A96S.
Identifiers: ClinVar variation 2784380 (VCV002784380.3), dbSNP rs778988148, ClinGen allele CA9507527.

ClinVar aggregate classification (germline): Uncertain significance (1 of 4 stars; one submission).

Allele frequency attached by ClinVar (database versions not stated): TOPMed below 0.00001; gnomAD 0.00001; ExAC 0.00002.

Submission:

Labcorp Genetics (formerly Invitae), Labcorp
Classification: Uncertain significance. Last evaluated: 2023-01-21. Review status: criteria provided, single submitter. Criteria: Invitae Variant Classification Sherloc (09022015). Collection method: clinical testing. Allele origin: germline.
Comment: This variant has not been reported in the literature in individuals affected with RELB-related conditions. Algorithms developed to predict the effect of missense changes on protein structure and function (SIFT, PolyPhen-2, Align-GVGD) all suggest that this variant is likely to be tolerated. In summary, the available evidence is currently insufficient to determine the role of this variant in disease. Therefore, it has been classified as a Variant of Uncertain Significance. This sequence change replaces alanine, which is neutral and non-polar, with serine, which is neutral and polar, at codon 99 of the RELB protein (p.Ala99Ser). The frequency data for this variant in the population databases is considered unreliable, as metrics indicate poor data quality at this position in the gnomAD database.